The following is an entry in ClinVar:

ClinVar aggregate classification (germline): Likely benign (1 of 4 stars; one submission).

Allele frequency attached by ClinVar (database versions not stated): gnomAD exomes 0.00184; ESP Exome Variant Server 0.00191; ExAC 0.00271; 1000 Genomes Project 30x 0.00437; 1000 Genomes Project 0.00499; gnomAD 0.00611 and 0.00651; TOPMed 0.00682.
gnomAD v4.1: 1,912 of 1,521,190 alleles (0.13%); highest among the groups gnomAD compares: African/African-American, 2%; 19 homozygotes.

Submission:

GeneDx
Classification: Likely benign. Last evaluated: 2018-06-19. Review status: criteria provided, single submitter. Criteria: GeneDx Variant Classification (06012015). Collection method: clinical testing. Allele origin: germline. Affected: yes.
Comment: This variant is considered likely benign or benign based on one or more of the following criteria: it is a conservative change, it occurs at a poorly conserved position in the protein, it is predicted to be benign by multiple in silico algorithms, and/or has population frequency not consistent with disease.

NM_003036.4(SKI):c.1999-43A>G

Gene: SKI (SKI proto-oncogene; plus strand). Cytogenetic location: 1p36.32.
Variant type: single nucleotide variant.
Coding change: c.1999-43A>G on transcript NM_003036.4 (MANE Select); 43 bases into the intron before coding-DNA position 1999, A replaced by G.
Molecular consequence: intron variant.
Genome position (GRCh38, 1-based): chr1:2,306,534, A>G. VCF-style: chr1-2306534-A-G. GRCh37 (hg19) VCF-style: chr1-2237973-A-G.
Identifiers: ClinVar variation 674447 (VCV000674447.1), dbSNP rs371963326, ClinGen allele CA536848.
Genomic context (GRCh38, chr1:2,306,534, plus strand): 5'-GGGGAGGGACAGGGAGCGGCGCAGGAGCCTCGGGTGGGGGAAGCAGCGTCGGGCCGGGGC[A>G]GGGCAGCGAGCAGGCGCCGCTGACCACTCGGCTCCCTTTCAGATCGAAGACCTGCAGGTG-3'